The following is an entry in ClinVar:

NM_014639.4(SKIC3):c.1307A>C (p.Tyr436Ser)

Gene: SKIC3 (SKI3 subunit of superkiller complex; minus strand). Cytogenetic location: 5q15.
Variant type: single nucleotide variant.
Coding change: c.1307A>C on transcript NM_014639.4 (MANE Select); coding-DNA position 1307, A replaced by C.
Protein change: p.Tyr436Ser; replaces tyrosine 436 with serine.
Molecular consequence: missense variant.
Genome position (GRCh38, 1-based): chr5:95,525,416, T>G on the plus strand (A>C on the coding strand, the complement: SKIC3 is on the minus strand). VCF-style: chr5-95525416-T-G. GRCh37 (hg19) VCF-style: chr5-94861120-T-G.
Other names: short protein forms Y436S.
Identifiers: ClinVar variation 1404321 (VCV001404321.3), dbSNP rs1433999027, ClinGen allele CA360464593.

ClinVar aggregate classification (germline): Uncertain significance (1 of 4 stars; one submission).

Allele frequency attached by ClinVar (database versions not stated): TOPMed below 0.00001.

Submission:

Labcorp Genetics (formerly Invitae), Labcorp
Classification: Uncertain significance. Last evaluated: 2021-12-28. Review status: criteria provided, single submitter. Criteria: Invitae Variant Classification Sherloc (09022015). Collection method: clinical testing. Allele origin: germline.
Comment: This sequence change replaces tyrosine, which is neutral and polar, with serine, which is neutral and polar, at codon 436 of the TTC37 protein (p.Tyr436Ser). This variant is not present in population databases (gnomAD no frequency). This variant has not been reported in the literature in individuals affected with TTC37-related conditions. Algorithms developed to predict the effect of missense changes on protein structure and function are either unavailable or do not agree on the potential impact of this missense change (SIFT: "Tolerated"; PolyPhen-2: "Probably Damaging"; Align-GVGD: "Class C0"). In summary, the available evidence is currently insufficient to determine the role of this variant in disease. Therefore, it has been classified as a Variant of Uncertain Significance.